The following is an entry in ClinVar:

NM_005228.5(EGFR):c.769G>A (p.Glu257Lys)

Gene: EGFR (epidermal growth factor receptor; plus strand). Cytogenetic location: 7p11.2.
Variant type: single nucleotide variant.
Coding change: c.769G>A on transcript NM_005228.5 (MANE Select); coding-DNA position 769, G replaced by A.
Protein change: p.Glu257Lys; replaces glutamic acid 257 with lysine.
Molecular consequence: missense variant. On other transcripts: intron variant (1).
Genome position (GRCh38, 1-based): chr7:55,154,032, G>A. VCF-style: chr7-55154032-G-A. GRCh37 (hg19) VCF-style: chr7-55221725-G-A.
Other names: c.634G>A, p.Glu212Lys (NM_001346899.2, NM_001346897.2); c.610G>A, p.Glu204Lys (NM_001346900.2); c.769G>A, p.Glu257Lys (NM_201282.2, NM_201283.2, NM_001346898.2 and 1 more transcripts); c.89-1798G>A (NM_001346941.2); c.769G>A (NM_005228.4); short protein forms E204K, E212K, E257K.
Identifiers: ClinVar variation 1123013 (VCV001123013.17), dbSNP rs138847501, ClinGen allele CA4265360.

ClinVar aggregate classification (germline): Conflicting classifications of pathogenicity. Review status: criteria provided, conflicting classifications (1 of 4 stars). 7 submissions from 7 submitters: Uncertain significance (4); Benign (1); Likely benign (1). 1 of the submissions does not count toward it. Last evaluated 2026-02-03.

Conditions:
Hereditary cancer-predisposing syndrome. Also called: Hereditary neoplastic syndrome; Neoplastic Syndromes, Hereditary; Tumor predisposition; Hereditary Cancer Syndrome. Identifiers: Orphanet 140162, MedGen C0027672, MeSH D009386, MONDO:0015356.
Inflammatory skin and bowel disease, neonatal, 2 (NNCIS). Identifiers: Orphanet 294023, MedGen C4015130, MONDO:0014481, OMIM 616069.
Lung cancer. Also called: Lung cancer, somatic; Malignant tumor of lung. Identifiers: MedGen C0242379, MONDO:0008903, OMIM 211980.
EGFR-related lung cancer (EGFR). Identifiers: MedGen CN130014.
EGFR-related disorder. Also called: EGFR-related condition.

Allele frequency attached by ClinVar (database versions not stated): gnomAD exomes 0.00010 and 0.00012; ExAC 0.00018; gnomAD 0.00031 and 0.00035; TOPMed 0.00033; ESP Exome Variant Server 0.00038.

Submissions (7):

Labcorp Genetics (formerly Invitae), Labcorp
Classification: Likely benign for EGFR-related lung cancer. Last evaluated: 2026-02-03. Review status: criteria provided, single submitter. Criteria: Invitae Variant Classification Sherloc (09022015). Collection method: clinical testing. Allele origin: germline.

Ambry Genetics
Classification: Benign for Hereditary cancer-predisposing syndrome. Last evaluated: 2024-08-23. Review status: criteria provided, single submitter. Criteria: Ambry Variant Classification Scheme 2023. Collection method: clinical testing. Allele origin: germline.

Fulgent Genetics
Classification: Uncertain significance for Lung cancer; Inflammatory skin and bowel disease, neonatal, 2. Last evaluated: 2024-01-19. Review status: criteria provided, single submitter. Criteria: ACMG Guidelines, 2015. Collection method: clinical testing. Allele origin: germline.

GeneDx
Classification: Uncertain significance. Last evaluated: 2023-03-06. Review status: criteria provided, single submitter. Criteria: GeneDx Variant Classification Process June 2021. Collection method: clinical testing. Allele origin: germline. Affected: yes.
Comment: In silico analysis supports that this missense variant does not alter protein structure/function; In silico analysis is inconclusive as to whether the variant alters gene splicing. In the absence of RNA/functional studies, the actual effect of this sequence change is unknown.; Observed in individuals with breast cancer, clear cell renal carcinoma, and/or cervical cancer (Huang et al., 2018); Observed in the germline of a child with an adrenocortical tumor; however, the child had a presumptive diagnosis of Beckwith-Wiedemann syndrome (BWS) (Pinto et al., 2021); This variant is associated with the following publications: (PMID: 36561320, 29625052, 34803919)

Sema4
Classification: Uncertain significance for Hereditary cancer-predisposing syndrome. Last evaluated: 2021-09-18. Review status: criteria provided, single submitter. Criteria: Sema4 Curation Guidelines. Collection method: curation. Allele origin: germline.
Comment: The EGFR c.769G>A (p.E257K) variant has been reported in at least three individuals with breast, cervical, or kidney cancer (PMID: 29625052). It was observed in 20/24968 chromosomes of the African/African American subpopulation, with no homozygotes, in the large and broad cohorts of the Genome Aggregation Database (PMID: 32461654). The variant has been reported in ClinVar (Variation ID: 1123013). Functional studies have not been performed, and in silico predictions of the variant's effect on protein function are inconclusive. The evidence is insufficient to meet ACMG/AMP criteria for classifying the variant as benign or pathogenic. Thus, the clinical significance of this variant is currently uncertain.

Revvity Omics, Revvity
Classification: Uncertain significance. Last evaluated: 2019-09-03. Review status: criteria provided, single submitter. Criteria: ACMG Guidelines, 2015. Collection method: clinical testing. Allele origin: germline.

PreventionGenetics, part of Exact Sciences
Classification: Likely benign for EGFR-related condition. Last evaluated: 2024-02-14. Review status: no assertion criteria provided. Collection method: clinical testing. Allele origin: germline. Not counted in ClinVar's aggregate classification.
Comment: This variant is classified as likely benign based on ACMG/AMP sequence variant interpretation guidelines (Richards et al. 2015 PMID: 25741868, with internal and published modifications).

Literature cited by the submitters: PubMed 29625052 (cited by Sema4).